The following is an entry in ClinVar:

NM_020297.4(ABCC9):c.475G>A (p.Gly159Ser)

Gene: ABCC9 (ATP binding cassette subfamily C member 9; minus strand). Cytogenetic location: 12p12.1.
Variant type: single nucleotide variant.
Coding change: c.475G>A on transcript NM_020297.4 (MANE Select); coding-DNA position 475, G replaced by A.
Protein change: p.Gly159Ser; replaces glycine 159 with serine.
Molecular consequence: missense variant. On other transcripts: intron variant (1).
Genome position (GRCh38, 1-based): chr12:21,917,035, C>T on the plus strand (G>A on the coding strand, the complement: ABCC9 is on the minus strand). VCF-style: chr12-21917035-C-T. GRCh37 (hg19) VCF-style: chr12-22069969-C-T.
Other names: c.475G>A, p.Gly159Ser (NM_001377273.1, NM_005691.4); c.-48-3969G>A (NM_001377274.1); short protein forms G159S.
Identifiers: ClinVar variation 3695603 (VCV003695603.2).

ClinVar aggregate classification (germline): Uncertain significance (1 of 4 stars; one submission).

Conditions:
Dilated cardiomyopathy 1O (CMD1O). Also called: CARDIOMYOPATHY, DILATED, WITH VENTRICULAR TACHYCARDIA. Identifiers: Orphanet 154, MedGen C1837839, MONDO:0012062, OMIM 608569.

Submission:

Labcorp Genetics (formerly Invitae), Labcorp
Classification: Uncertain significance for Dilated cardiomyopathy 1O. Last evaluated: 2025-06-10. Review status: criteria provided, single submitter. Criteria: Invitae Variant Classification Sherloc (09022015). Collection method: clinical testing. Allele origin: germline.
Comment: This sequence change replaces glycine, which is neutral and non-polar, with serine, which is neutral and polar, at codon 159 of the ABCC9 protein (p.Gly159Ser). This variant is not present in population databases (gnomAD no frequency). This variant has not been reported in the literature in individuals affected with ABCC9-related conditions. ClinVar contains an entry for this variant (Variation ID: 3695603). Invitae Evidence Modeling of protein sequence and biophysical properties (such as structural, functional, and spatial information, amino acid conservation, physicochemical variation, residue mobility, and thermodynamic stability) has been performed for this missense variant. However, the output from this modeling did not meet the statistical confidence thresholds required to predict the impact of this variant on ABCC9 protein function. In summary, the available evidence is currently insufficient to determine the role of this variant in disease. Therefore, it has been classified as a Variant of Uncertain Significance.